The following is an entry in ClinVar:

NM_001353921.2(ARHGEF9):c.324C>A (p.Asp108Glu)

Gene: ARHGEF9 (Cdc42 guanine nucleotide exchange factor 9; minus strand). Cytogenetic location: Xq11.1.
Variant type: single nucleotide variant.
Coding change: c.324C>A on transcript NM_001353921.2 (MANE Select); coding-DNA position 324, C replaced by A.
Protein change: p.Asp108Glu; replaces aspartic acid 108 with glutamic acid.
Molecular consequence: missense variant. On other transcripts: 5 prime UTR variant (3).
Genome position (GRCh38, 1-based): chrX:63,706,336, G>T on the plus strand (C>A on the coding strand, the complement: ARHGEF9 is on the minus strand). VCF-style: chrX-63706336-G-T. GRCh37 (hg19) VCF-style: chrX-62926216-G-T.
Other names: c.144C>A, p.Asp48Glu (NM_001173479.2); c.-4C>A (NM_001173480.2, NM_001369042.1); c.240C>A, p.Asp80Glu (NM_001330495.2, NM_001353927.2, NM_001369033.1 and 8 more transcripts); c.324C>A, p.Asp108Glu (NM_001353922.2); c.342C>A, p.Asp114Glu (NM_001353923.1); c.123C>A, p.Asp41Glu (NM_001353924.2, NM_001353926.2, NM_001369039.1 and 1 more transcripts); c.303C>A, p.Asp101Glu (NM_001353928.2, NM_001369030.1, NM_001369031.1 and 2 more transcripts); c.-380C>A (NM_001369045.1); short protein forms D114E, D108E, D41E, D101E, D48E, D80E.
Identifiers: ClinVar variation 4770385 (VCV004770385.1).

ClinVar aggregate classification (germline): Uncertain significance (1 of 4 stars; one submission).

Conditions:
Developmental and epileptic encephalopathy, 8 (DEE8). Also called: HYPEREKPLEXIA AND EPILEPSY. Identifiers: Orphanet 163985, Orphanet 2076, MedGen C1845102, MONDO:0010375, OMIM 300607.

gnomAD v4.1: 1 of 1,205,245 alleles (0.000083%); highest among the groups gnomAD compares: Admixed American, 0.0022%; no homozygotes.

Submission:

Labcorp Genetics (formerly Invitae), Labcorp
Classification: Uncertain significance for Developmental and epileptic encephalopathy, 8. Last evaluated: 2025-10-29. Review status: criteria provided, single submitter. Criteria: Invitae Variant Classification Sherloc (09022015). Collection method: clinical testing. Allele origin: germline.
Comment: This sequence change replaces aspartic acid, which is acidic and polar, with glutamic acid, which is acidic and polar, at codon 101 of the ARHGEF9 protein (p.Asp101Glu). This variant is not present in population databases (gnomAD no frequency). This variant has not been reported in the literature in individuals affected with ARHGEF9-related conditions. Invitae Evidence Modeling of protein sequence and biophysical properties (such as structural, functional, and spatial information, amino acid conservation, physicochemical variation, residue mobility, and thermodynamic stability) indicates that this missense variant is not expected to disrupt ARHGEF9 protein function with a negative predictive value of 95%. In summary, the available evidence is currently insufficient to determine the role of this variant in disease. Therefore, it has been classified as a Variant of Uncertain Significance.